The following is an entry in ClinVar:

ClinVar aggregate classification (germline): Benign. Review status: criteria provided, multiple submitters, no conflicts (2 of 4 stars). 3 submissions from 3 submitters: Benign (3). Last evaluated 2024-07-15.

Allele frequency attached by ClinVar (database versions not stated): gnomAD exomes 0.39985; 1000 Genomes Project 0.44828; 1000 Genomes Project 30x 0.45394; gnomAD 0.46850 and 0.47529; TOPMed 0.47170.

Submissions (3):

Unidad de Genómica Garrahan, Hospital de Pediatría Garrahan
Classification: Benign. Last evaluated: 2024-07-15. Review status: criteria provided, single submitter. Criteria: ACMG Guidelines, 2015. Collection method: clinical testing. Allele origin: germline. Affected: no. Observed: 47 variant alleles.
Comment: This variant is classified as Benign based on local population frequency. This variant was detected in 51% of patients studied in a panel designed for Epileptic and Developmental Encephalopathy and Progressive Myoclonus Epilepsy. Number of patients: 47. Only high quality variants are reported.

GeneDx
Classification: Benign. Last evaluated: 2015-03-03. Review status: criteria provided, single submitter. Criteria: GeneDx Variant Classification Process June 2021. Collection method: clinical testing. Allele origin: germline. Affected: yes.

Breakthrough Genomics
Classification: Benign. Review status: criteria provided, single submitter. Criteria: ACMG Guidelines, 2015. Collection method: not provided. Allele origin: germline. Inheritance: Autosomal recessive inheritance. Affected: yes.

NM_002693.3(POLG):c.2981+69A>C

Gene: POLG (DNA polymerase gamma, catalytic subunit; minus strand). Cytogenetic location: 15q26.1.
Variant type: single nucleotide variant.
Coding change: c.2981+69A>C on transcript NM_002693.3 (MANE Select); 69 bases into the intron after coding-DNA position 2981, A replaced by C.
Molecular consequence: intron variant.
Genome position (GRCh38, 1-based): chr15:89,320,697, T>G on the plus strand (A>C on the coding strand, the complement: POLG is on the minus strand). VCF-style: chr15-89320697-T-G. GRCh37 (hg19) VCF-style: chr15-89863928-T-G.
Other names: c.2981+69A>C (NM_001126131.2).
Identifiers: ClinVar variation 1240947 (VCV001240947.5), dbSNP rs2307449, ClinGen allele CA14089286.